The following is an entry in ClinVar:

NM_000038.6(APC):c.3113C>A (p.Ser1038Tyr)

Gene: APC (APC regulator of Wnt signaling pathway; plus strand). Cytogenetic location: 5q22.2.
Variant type: single nucleotide variant.
Coding change: c.3113C>A on transcript NM_000038.6 (MANE Select); coding-DNA position 3113, C replaced by A.
Protein change: p.Ser1038Tyr; replaces serine 1038 with tyrosine.
Molecular consequence: missense variant. On other transcripts: non-coding transcript variant (2).
Genome position (GRCh38, 1-based): chr5:112,838,707, C>A. VCF-style: chr5-112838707-C-A. GRCh37 (hg19) VCF-style: chr5-112174404-C-A.
Other names: c.3113C>A, p.Ser1038Tyr (NM_001354895.2, NM_001407450.1, NM_001127510.3); c.3167C>A, p.Ser1056Tyr (NM_001354896.2, NM_001407447.1, NM_001407448.1 and 1 more transcripts); c.3143C>A, p.Ser1048Tyr (NM_001354897.2); c.3038C>A, p.Ser1013Tyr (NM_001354898.2); c.3029C>A, p.Ser1010Tyr (NM_001354899.2); c.2990C>A, p.Ser997Tyr (NM_001354900.2); c.2936C>A, p.Ser979Tyr (NM_001354901.2, NM_001407453.1); c.2840C>A, p.Ser947Tyr (NM_001354902.2); and 11 more; short protein forms S1028Y, S1031Y, S1066Y, S878Y, S955Y, S997Y, S1038Y, S1048Y.
Identifiers: ClinVar variation 5025240 (VCV005025240.1).

ClinVar aggregate classification (germline): Uncertain significance (1 of 4 stars; one submission).

Conditions:
Hereditary cancer-predisposing syndrome. Also called: Neoplastic Syndromes, Hereditary; Tumor predisposition; Hereditary neoplastic syndrome; Hereditary Cancer Syndrome. Identifiers: Orphanet 140162, MedGen C0027672, MeSH D009386, MONDO:0015356.

Submission:

Ambry Genetics
Classification: Uncertain significance for Hereditary cancer-predisposing syndrome. Last evaluated: 2026-07-07. Review status: criteria provided, single submitter. Criteria: Ambry Variant Classification Scheme 2023. Collection method: clinical testing. Allele origin: germline.
Comment: The p.S1038Y variant (also known as c.3113C>A), located in coding exon 15 of the APC gene, results from a C to A substitution at nucleotide position 3113. The serine at codon 1038 is replaced by tyrosine, an amino acid with dissimilar properties. This amino acid position is conserved. In addition, in silico predictors for this gene do not accurately predict pathogenicity. Based on the available evidence, the clinical significance of this variant remains unclear.